The following is an entry in ClinVar:

NM_130839.5(UBE3A):c.2293C>T (p.Gln765Ter)

Genes: SNHG14 (small nucleolar RNA host gene 14; plus strand), UBE3A (ubiquitin protein ligase E3A; minus strand). Cytogenetic location: 15q11.2.
Variant type: single nucleotide variant.
Coding change: c.2293C>T on transcript NM_130839.5 (MANE Select); coding-DNA position 2293, C replaced by T.
Protein change: p.Gln765Ter; replaces glutamine 765 with a stop codon.
Molecular consequence: nonsense. On other transcripts: non-coding transcript variant (1).
Genome position (GRCh38, 1-based): chr15:25,354,414, G>A on the plus strand (C>T on the coding strand, the complement: UBE3A is on the minus strand). VCF-style: chr15-25354414-G-A. GRCh37 (hg19) VCF-style: chr15-25599561-G-A.
Other names: c.2302C>T, p.Gln768Ter (NM_000462.5); c.2293C>T, p.Gln765Ter (NM_001354505.1, NM_001354538.2); c.2233C>T, p.Gln745Ter (NM_001354506.2, NM_001354507.2, NM_001354508.2 and 14 more transcripts); c.2137C>T, p.Gln713Ter (NM_001354545.2); c.2116C>T, p.Gln706Ter (NM_001354546.2); c.2077C>T, p.Gln693Ter (NM_001354547.2, NM_001354548.2); c.2068C>T, p.Gln690Ter (NM_001354549.2); c.1042C>T, p.Gln348Ter (NM_001354550.2); and 1 more; short protein forms Q745*, Q693*, Q328*, Q690*, Q765*, Q768*, Q348*, Q706*.
Identifiers: ClinVar variation 155970 (VCV000155970.1), dbSNP rs587781219, ClinGen allele CA333343.

ClinVar aggregate classification (germline): Pathogenic (0 of 4 stars; one submission).

Conditions:
Angelman syndrome (AS). Also called: HAPPY PUPPET SYNDROME. Identifiers: Orphanet 72, MedGen C0162635, MONDO:0007113, OMIM 105830. Disease mechanism: loss of function. Inheritance: AS is caused by disruption of maternally imprinted UBE3A located within the 15q11.2-q13 Angelman syndrome/Prader-Willi syndrome (AS/PWS) region., imprinting disorder.

Submission:

Baylor Genetics
Classification: Pathogenic for Angelman Syndrome. Last evaluated: 2014-02-14. Review status: no assertion criteria provided. Collection method: clinical testing. Allele origin: germline. Affected: yes. Observed: 1 variant allele. Study: UBE3A Mutation Study.
Comment: Data collected from clinical UBE3A sequence analysis results

Literature cited by the submitters: PubMed 25212744.